The following is an entry in ClinVar:

NM_000384.3(APOB):c.6668T>G (p.Val2223Gly)

Gene: APOB (apolipoprotein B; minus strand). Cytogenetic location: 2p24.1.
Variant type: single nucleotide variant.
Coding change: c.6668T>G on transcript NM_000384.3 (MANE Select); coding-DNA position 6668, T replaced by G.
Protein change: p.Val2223Gly; replaces valine 2223 with glycine.
Molecular consequence: missense variant.
Genome position (GRCh38, 1-based): chr2:21,010,200, A>C on the plus strand (T>G on the coding strand, the complement: APOB is on the minus strand). VCF-style: chr2-21010200-A-C. GRCh37 (hg19) VCF-style: chr2-21233072-A-C.
Other names: short protein forms V2223G.
Identifiers: ClinVar variation 4690009 (VCV004690009.1).

ClinVar aggregate classification (germline): Uncertain significance (1 of 4 stars; one submission).

gnomAD v4.1: 1 of 1,593,526 alleles (0.000063%); highest among the groups gnomAD compares: Admixed American, 0.0017%; no homozygotes.

Submission:

GeneDx
Classification: Uncertain significance. Last evaluated: 2025-07-31. Review status: criteria provided, single submitter. Criteria: GeneDx Variant Classification Process June 2021. Collection method: clinical testing. Allele origin: germline. Affected: yes.
Comment: Not observed at significant frequency in large population cohorts (gnomAD); In silico analysis supports that this missense variant has a deleterious effect on protein structure/function; Has not been previously published as pathogenic or benign to our knowledge